The following is an entry in ClinVar:

NM_000152.5(GAA):c.250G>A (p.Val84Ile)

Gene: GAA (alpha glucosidase; plus strand). Cytogenetic location: 17q25.3.
Variant type: single nucleotide variant.
Coding change: c.250G>A on transcript NM_000152.5 (MANE Select); coding-DNA position 250, G replaced by A.
Protein change: p.Val84Ile; replaces valine 84 with isoleucine.
Molecular consequence: missense variant.
Genome position (GRCh38, 1-based): chr17:80,104,836, G>A. VCF-style: chr17-80104836-G-A. GRCh37 (hg19) VCF-style: chr17-78078635-G-A.
Other names: c.250G>A (LRG_673t1, NM_000152.4); c.250G>A, p.Val84Ile (NM_001079803.3, NM_001079804.3); short protein forms V84I.
Identifiers: ClinVar variation 573784 (VCV000573784.27), dbSNP rs139595011, ClinGen allele CA8814825.

ClinVar aggregate classification (germline): Conflicting classifications of pathogenicity. Review status: criteria provided, conflicting classifications (1 of 4 stars). 7 submissions from 7 submitters: Uncertain significance (5); Likely benign (1). 1 of the submissions does not count toward it. Last evaluated 2026-01-31.

Conditions:
Glycogen storage disease, type II (IOPD). Also called: GLYCOGENOSIS, GENERALIZED, CARDIAC FORM; GSD II; Pompe Disease; Glucosidase acid-1,4-alpha deficiency; CARDIOMEGALIA GLYCOGENICA DIFFUSA; POMPE DISEASE, INFANTILE-ONSET. Identifiers: Orphanet 365, MedGen C0017921, MONDO:0009290, OMIM 232300.
GAA-related disorder. Also called: GAA-related condition.

Allele frequency attached by ClinVar (database versions not stated): ExAC 0.00008; ESP Exome Variant Server 0.00008; 1000 Genomes Project 30x 0.00016; gnomAD 0.00019; TOPMed 0.00019.
gnomAD v4.1: 53 of 1,612,484 alleles (0.0033%); highest among the groups gnomAD compares: African/African-American, 0.06%; no homozygotes.

Submissions (7):

Labcorp Genetics (formerly Invitae), Labcorp
Classification: Likely benign for Glycogen storage disease, type II. Last evaluated: 2026-01-31. Review status: criteria provided, single submitter. Criteria: Invitae Variant Classification Sherloc (09022015). Collection method: clinical testing. Allele origin: germline.

GeneDx
Classification: Uncertain significance. Last evaluated: 2025-07-15. Review status: criteria provided, single submitter. Criteria: GeneDx Variant Classification Process June 2021. Collection method: clinical testing. Allele origin: germline. Affected: yes.
Comment: In silico analysis suggests that this missense variant does not alter protein structure/function; Has not been previously published as pathogenic or benign to our knowledge; This variant is associated with the following publications: (PMID: 22253258)

Fulgent Genetics
Classification: Uncertain significance for Glycogen storage disease, type II. Last evaluated: 2024-01-19. Review status: criteria provided, single submitter. Criteria: ACMG Guidelines, 2015. Collection method: clinical testing. Allele origin: germline.

Genome-Nilou Lab
Classification: Uncertain significance for Glycogen storage disease, type II. Last evaluated: 2021-07-22. Review status: criteria provided, single submitter. Criteria: ACMG Guidelines, 2015. Collection method: clinical testing. Allele origin: germline. Affected: no.

Illumina Laboratory Services, Illumina
Classification: Uncertain significance for Glycogen storage disease, type II. Last evaluated: 2021-05-13. Review status: criteria provided, single submitter. Criteria: ICSLVariantClassificationCriteria RUGD 01 April 2020. Collection method: clinical testing. Allele origin: unknown.
Comment: The GAA c.250G>A (p.Val84Ile) variant is a missense variant. A literature search was performed for the gene, cDNA change, and amino acid change. No publications were found based on this search. This variant is reported at a frequency of 0.000408 in the African/African American population of the Genome Aggregation Database (version 2.1.1). Multiple computational analyses predict this variant to have no impact on the gene or gene product, though these predictions have not been experimentally confirmed. Based on the limited evidence, the p.Val84Ile variant is classified as a variant of uncertain significance for glycogen storage disease type II.

Eurofins Ntd Llc (ga)
Classification: Uncertain significance. Last evaluated: 2018-01-25. Review status: criteria provided, single submitter. Criteria: EGL Classification Definitions 2015. Collection method: clinical testing. Allele origin: germline. Observed: 1 variant allele, 1 heterozygote.

PreventionGenetics, part of Exact Sciences
Classification: Uncertain significance for GAA-related condition. Last evaluated: 2024-04-17. Review status: no assertion criteria provided. Collection method: clinical testing. Allele origin: germline. Not counted in ClinVar's aggregate classification.
Comment: The GAA c.250G>A variant is predicted to result in the amino acid substitution p.Val84Ile. To our knowledge, this variant has not been reported in the literature. This variant is reported in 0.041% of alleles in individuals of African descent in gnomAD. At this time, the clinical significance of this variant is uncertain due to the absence of conclusive functional and genetic evidence.